The following is an entry in ClinVar:

ClinVar aggregate classification (germline): Uncertain significance (1 of 4 stars; one submission).

Allele frequency attached by ClinVar (database versions not stated): gnomAD exomes below 0.00001.

Submission:

Labcorp Genetics (formerly Invitae), Labcorp
Classification: Uncertain significance. Last evaluated: 2023-06-25. Review status: criteria provided, single submitter. Criteria: Invitae Variant Classification Sherloc (09022015). Collection method: clinical testing. Allele origin: germline.
Comment: In summary, the available evidence is currently insufficient to determine the role of this variant in disease. Therefore, it has been classified as a Variant of Uncertain Significance. This variant has not been reported in the literature in individuals affected with RPS6KC1-related conditions. This variant is not present in population databases (gnomAD no frequency). This sequence change creates a premature translational stop signal (p.Tyr30Ilefs*19) in the RPS6KC1 gene. It is expected to result in an absent or disrupted protein product. However, the current clinical and genetic evidence is not sufficient to establish whether loss-of-function variants in RPS6KC1 cause disease.

NM_012424.6(RPS6KC1):c.87del (p.Tyr30fs)

Gene: RPS6KC1 (ribosomal protein S6 kinase C1; plus strand). Cytogenetic location: 1q32.3.
Variant type: Deletion.
Coding change: c.87del on transcript NM_012424.6 (MANE Select); coding-DNA position 87, one base deleted (A; older notation c.87delA).
Protein change: p.Tyr30fs; shifts the reading frame from tyrosine 30.
Molecular consequence: frameshift variant. On other transcripts: 5 prime UTR variant (27), non-coding transcript variant (4).
Genome position (GRCh38, 1-based): chr1:213,051,491, A deleted. VCF-style (leftmost placement, unchanged base first): chr1-213051490-TA-T. GRCh37 (hg19) VCF-style: chr1-213224832-TA-T.
Other names: c.-526del (NM_001349648.2); c.-574del (NM_001349649.2, NM_001287219.3); c.-652del (NM_001349650.2, NM_001349654.2); c.-773del (NM_001349651.2); c.-606del (NM_001349652.2); c.-535del (NM_001349653.2, NM_001287218.3); c.-348del (NM_001349657.2); c.-559del (NM_001349658.2); and 16 more; short protein forms Y30fs.
Identifiers: ClinVar variation 2804537 (VCV002804537.3), dbSNP rs2545209657, ClinGen allele CA2574130318.